The following is an entry in ClinVar:

NM_001830.4(CLCN4):c.1157C>T (p.Pro386Leu)

Gene: CLCN4 (chloride voltage-gated channel 4; plus strand). Cytogenetic location: Xp22.2.
Variant type: single nucleotide variant.
Coding change: c.1157C>T on transcript NM_001830.4 (MANE Select); coding-DNA position 1157, C replaced by T.
Protein change: p.Pro386Leu; replaces proline 386 with leucine.
Molecular consequence: missense variant.
Genome position (GRCh38, 1-based): chrX:10,208,358, C>T. VCF-style: chrX-10208358-C-T. GRCh37 (hg19) VCF-style: chrX-10176398-C-T.
Other names: c.875C>T, p.Pro292Leu (NM_001256944.2); short protein forms P292L, P386L.
Identifiers: ClinVar variation 4746258 (VCV004746258.1).
Genomic context (GRCh38, chrX:10,208,358, plus strand): 5'-GGAAGTACCCGGTGCTGGAGGTCATTGTGGTGACTGCCATCACTGCCATCATTGCCTACC[C>T]CAATCCCTACACACGCCAGAGCACCAGCGAGCTCATTTCTGAGCTGTTCAATGACTGTGG-3'
Protein context (NP_001821.2, residues 376-396): VTAITAIIAY[Pro386Leu]NPYTRQSTSE

ClinVar aggregate classification (germline): Uncertain significance (1 of 4 stars; one submission).

Submission:

Labcorp Genetics (formerly Invitae), Labcorp
Classification: Uncertain significance. Last evaluated: 2025-10-10. Review status: criteria provided, single submitter. Criteria: Invitae Variant Classification Sherloc (09022015). Collection method: clinical testing. Allele origin: germline.
Comment: This sequence change replaces proline, which is neutral and non-polar, with leucine, which is neutral and non-polar, at codon 386 of the CLCN4 protein (p.Pro386Leu). This variant is not present in population databases (gnomAD no frequency). This variant has not been reported in the literature in individuals affected with CLCN4-related conditions. Invitae Evidence Modeling of protein sequence and biophysical properties (such as structural, functional, and spatial information, amino acid conservation, physicochemical variation, residue mobility, and thermodynamic stability) has been performed for this missense variant. However, the output from this modeling did not meet the statistical confidence thresholds required to predict the impact of this variant on CLCN4 protein function. In summary, the available evidence is currently insufficient to determine the role of this variant in disease. Therefore, it has been classified as a Variant of Uncertain Significance.